The following is an entry in ClinVar:

ClinVar aggregate classification (germline): Uncertain significance (1 of 4 stars; one submission).

Submission:

GeneDx
Classification: Uncertain significance. Last evaluated: 2024-07-09. Review status: criteria provided, single submitter. Criteria: GeneDx Variant Classification Process June 2021. Collection method: clinical testing. Allele origin: germline. Affected: yes.
Comment: Not observed at significant frequency in large population cohorts (gnomAD); In silico analysis supports that this missense variant has a deleterious effect on protein structure/function; Has not been previously published as pathogenic or benign to our knowledge

NM_015057.5(MYCBP2):c.12211C>T (p.Pro4071Ser)

Gene: MYCBP2 (MYC binding protein 2; minus strand). Cytogenetic location: 13q22.3.
Variant type: single nucleotide variant.
Coding change: c.12211C>T on transcript NM_015057.5 (MANE Select); coding-DNA position 12211, C replaced by T.
Protein change: p.Pro4071Ser; replaces proline 4071 with serine.
Molecular consequence: missense variant.
Genome position (GRCh38, 1-based): chr13:77,067,825, G>A on the plus strand (C>T on the coding strand, the complement: MYCBP2 is on the minus strand). VCF-style: chr13-77067825-G-A. GRCh37 (hg19) VCF-style: chr13-77641960-G-A.
Other names: short protein forms P4071S.
Identifiers: ClinVar variation 3572782 (VCV003572782.1).
Genomic context (GRCh38, chr13:77,067,825, plus strand): 5'-TATCACTGATATCTGCTGGGGGGAGGGATTTCACTCCTATGATGCTGGCCAGACGACTAG[G>A]GGTTACTTCAGGCAAAACTCTTCTTAGTAAAGAGGTTACCTGGTAAGAAAAATAAAATGA-3'
Protein context (NP_055872.4, residues 4061-4081): LLRRVLPEVT[Pro4071Ser]SRLASIIGVK